The following is an entry in ClinVar:

ClinVar aggregate classification (germline): Uncertain significance (1 of 4 stars; one submission).

Conditions:
Isolated microphthalmia 6. Also called: MICROPHTHALMIA, POSTERIOR NONSYNDROMIC. Identifiers: Orphanet 2542, MedGen C3150757, MONDO:0013293, OMIM 613517.

Allele frequency attached by ClinVar (database versions not stated): gnomAD 0.00004; TOPMed 0.00006.

Submission:

Labcorp Genetics (formerly Invitae), Labcorp
Classification: Uncertain significance for Microphthalmia, isolated 6. Last evaluated: 2019-06-27. Review status: criteria provided, single submitter. Criteria: Invitae Variant Classification Sherloc (09022015). Collection method: clinical testing. Allele origin: germline.
Comment: This sequence change replaces proline with threonine at codon 466 of the PRSS56 protein (p.Pro466Thr). The proline residue is weakly conserved and there is a small physicochemical difference between proline and threonine. The frequency data for this variant in the population databases is considered unreliable, as metrics indicate insufficient coverage at this position in the ExAC database. This variant has not been reported in the literature in individuals with PRSS56-related conditions. Algorithms developed to predict the effect of missense changes on protein structure and function are either unavailable or do not agree on the potential impact of this missense change (SIFT: "Tolerated"; PolyPhen-2: "Not Available"; Align-GVGD: "Class C0"). In summary, the available evidence is currently insufficient to determine the role of this variant in disease. Therefore, it has been classified as a Variant of Uncertain Significance.

NM_001195129.2(PRSS56):c.1396C>A (p.Pro466Thr)

Gene: PRSS56 (serine protease 56; plus strand). Cytogenetic location: 2q37.1.
Variant type: single nucleotide variant.
Coding change: c.1396C>A on transcript NM_001195129.2 (MANE Select); coding-DNA position 1396, C replaced by A.
Protein change: p.Pro466Thr; replaces proline 466 with threonine.
Molecular consequence: missense variant.
Genome position (GRCh38, 1-based): chr2:232,524,351, C>A. VCF-style: chr2-232524351-C-A. GRCh37 (hg19) VCF-style: chr2-233389061-C-A.
Other names: c.1399C>A, p.Pro467Thr (NM_001369848.1); short protein forms P466T, P467T.
Identifiers: ClinVar variation 936664 (VCV000936664.1), dbSNP rs1276800919, ClinGen allele CA350994167.